The following is an entry in ClinVar:

ClinVar aggregate classification (germline): Uncertain significance. Review status: criteria provided, multiple submitters, no conflicts (2 of 4 stars). 2 submissions from 2 submitters: Uncertain significance (2). Last evaluated 2024-04-25.

Conditions:
Autosomal recessive limb-girdle muscular dystrophy type 2L (LGMDR12). Also called: Limb-girdle muscular dystrophy, type 2L; Limb-Girdle Muscular Dystrophy R12 Anoctamin-5-Related (LGMD-R12); MUSCULAR DYSTROPHY, LIMB-GIRDLE, AUTOSOMAL RECESSIVE 12. Identifiers: Orphanet 206549, MedGen C1969785, MONDO:0012652, OMIM 611307.
Gnathodiaphyseal dysplasia (GDD). Also called: GNATHODIAPHYSEAL SCLEROSIS; OSTEOGENESIS IMPERFECTA WITH UNUSUAL SKELETAL LESIONS. Identifiers: Orphanet 53697, MedGen C1833736, MONDO:0008151, OMIM 166260.

Allele frequency attached by ClinVar (database versions not stated): TOPMed 0.00001; ExAC 0.00002; gnomAD 0.00003.
gnomAD v4.1: 7 of 1,612,048 alleles (0.00043%); highest among the groups gnomAD compares: African/African-American, 0.0067%; no homozygotes.

Submissions (2):

Labcorp Genetics (formerly Invitae), Labcorp
Classification: Uncertain significance for Autosomal recessive limb-girdle muscular dystrophy type 2L; Gnathodiaphyseal dysplasia. Last evaluated: 2024-04-25. Review status: criteria provided, single submitter. Criteria: Invitae Variant Classification Sherloc (09022015). Collection method: clinical testing. Allele origin: germline.
Comment: This sequence change replaces isoleucine, which is neutral and non-polar, with threonine, which is neutral and polar, at codon 627 of the ANO5 protein (p.Ile627Thr). This variant is present in population databases (rs766811349, gnomAD 0.01%). This missense change has been observed in individual(s) with clinical features of ANO5-related conditions (Invitae). ClinVar contains an entry for this variant (Variation ID: 290543). Advanced modeling of protein sequence and biophysical properties (such as structural, functional, and spatial information, amino acid conservation, physicochemical variation, residue mobility, and thermodynamic stability) performed at Invitae indicates that this missense variant is expected to disrupt ANO5 protein function with a positive predictive value of 95%. In summary, the available evidence is currently insufficient to determine the role of this variant in disease. Therefore, it has been classified as a Variant of Uncertain Significance.

Eurofins Ntd Llc (ga)
Classification: Uncertain significance. Last evaluated: 2016-08-16. Review status: criteria provided, single submitter. Criteria: EGL Classification Definitions 2015. Collection method: clinical testing. Allele origin: germline. Observed: 1 variant allele, 1 heterozygote.

NM_213599.3(ANO5):c.1880T>C (p.Ile627Thr)

Gene: ANO5 (anoctamin 5; plus strand). Cytogenetic location: 11p14.3.
Variant type: single nucleotide variant.
Coding change: c.1880T>C on transcript NM_213599.3 (MANE Select); coding-DNA position 1880, T replaced by C.
Protein change: p.Ile627Thr; replaces isoleucine 627 with threonine.
Molecular consequence: missense variant.
Genome position (GRCh38, 1-based): chr11:22,263,025, T>C. VCF-style: chr11-22263025-T-C. GRCh37 (hg19) VCF-style: chr11-22284571-T-C.
Other names: c.1877T>C, p.Ile626Thr (NM_001142649.2); short protein forms I627T, I626T.
Identifiers: ClinVar variation 290543 (VCV000290543.9), dbSNP rs766811349, ClinGen allele CA5923376.